The following is an entry in ClinVar:

ClinVar aggregate classification (germline): Pathogenic (1 of 4 stars; one submission).

Conditions:
Duchenne muscular dystrophy (DMD). Also called: MUSCULAR DYSTROPHY, PSEUDOHYPERTROPHIC PROGRESSIVE, DUCHENNE TYPE; Duchenne Muscular Dystrophy (DMD). Identifiers: Orphanet 98896, MedGen C0013264, MONDO:0010679, OMIM 310200.

Submission:

Labcorp Genetics (formerly Invitae), Labcorp
Classification: Pathogenic for Duchenne muscular dystrophy. Last evaluated: 2025-09-24. Review status: criteria provided, single submitter. Criteria: Invitae Variant Classification Sherloc (09022015). Collection method: clinical testing. Allele origin: germline.
Comment: This sequence change affects a donor splice site in intron 25 of the DMD gene. It is expected to disrupt RNA splicing. Variants that disrupt the donor or acceptor splice site typically lead to a loss of protein function (PMID: 16199547), and loss-of-function variants in DMD are known to be pathogenic (PMID: 16770791, 25007885). This variant is not present in population databases (gnomAD no frequency). Disruption of this splice site has been observed in individuals with Becker muscular dystrophy (PMID: 12632325, 16834926, 19001018, 19783145). Algorithms developed to predict the effect of sequence changes on RNA splicing suggest that this variant may disrupt the consensus splice site. For these reasons, this variant has been classified as Pathogenic.

Literature cited by the submitters: PubMed 16199547; PubMed 16770791; PubMed 25007885; PubMed 12632325; PubMed 16834926; PubMed 19001018; PubMed 19783145.

NM_004006.3(DMD):c.3432+1G>C

Gene: DMD (dystrophin; minus strand). Cytogenetic location: Xp21.1.
Variant type: single nucleotide variant.
Coding change: c.3432+1G>C on transcript NM_004006.3 (MANE Select); the canonical splice donor site of the intron after coding-DNA position 3432, G replaced by C.
Molecular consequence: splice donor variant.
Genome position (GRCh38, 1-based): chrX:32,463,438, C>G on the plus strand (G>C on the coding strand, the complement: DMD is on the minus strand). VCF-style: chrX-32463438-C-G. GRCh37 (hg19) VCF-style: chrX-32481555-C-G.
Other names: c.3408+1G>C (NM_000109.4); c.3420+1G>C (NM_004009.3); c.3063+1G>C (NM_004010.3).
Identifiers: ClinVar variation 4710686 (VCV004710686.1), dbSNP rs398123937.